The following is an entry in ClinVar:

NM_001177316.2(SLC34A3):c.561-1G>A

Gene: SLC34A3 (solute carrier family 34 member 3; plus strand). Cytogenetic location: 9q34.3.
Variant type: single nucleotide variant.
Coding change: c.561-1G>A on transcript NM_001177316.2 (MANE Select); the canonical splice acceptor site of the intron before coding-DNA position 561, G replaced by A.
Molecular consequence: splice acceptor variant.
Genome position (GRCh38, 1-based): chr9:137,233,208, G>A. VCF-style: chr9-137233208-G-A. GRCh37 (hg19) VCF-style: chr9-140127660-G-A.
Other names: c.561-1G>A (NM_001177317.2, NM_080877.3).
Identifiers: ClinVar variation 2993030 (VCV002993030.3), dbSNP rs2538805414, ClinGen allele CA375730827.

ClinVar aggregate classification (germline): Likely pathogenic (1 of 4 stars; one submission).

Submission:

Labcorp Genetics (formerly Invitae), Labcorp
Classification: Likely pathogenic. Last evaluated: 2023-06-13. Review status: criteria provided, single submitter. Criteria: Invitae Variant Classification Sherloc (09022015). Collection method: clinical testing. Allele origin: germline.
Comment: Algorithms developed to predict the effect of sequence changes on RNA splicing suggest that this variant may disrupt the consensus splice site. This sequence change affects an acceptor splice site in intron 6 of the SLC34A3 gene. It is expected to disrupt RNA splicing. Variants that disrupt the donor or acceptor splice site typically lead to a loss of protein function (PMID: 16199547), and loss-of-function variants in SLC34A3 are known to be pathogenic (PMID: 16358214, 16358215, 22159077). This variant is not present in population databases (gnomAD no frequency). This variant has not been reported in the literature in individuals affected with SLC34A3-related conditions. In summary, the currently available evidence indicates that the variant is pathogenic, but additional data are needed to prove that conclusively. Therefore, this variant has been classified as Likely Pathogenic.

Literature cited by the submitters: PubMed 16199547; PubMed 16358214; PubMed 16358215; PubMed 22159077.